The following is an entry in ClinVar:

NM_024408.4(NOTCH2):c.6947C>T (p.Ala2316Val)

Gene: NOTCH2 (notch receptor 2; minus strand). Cytogenetic location: 1p12.
Variant type: single nucleotide variant.
Coding change: c.6947C>T on transcript NM_024408.4 (MANE Select); coding-DNA position 6947, C replaced by T.
Protein change: p.Ala2316Val; replaces alanine 2316 with valine.
Molecular consequence: missense variant.
Genome position (GRCh38, 1-based): chr1:119,915,775, G>A on the plus strand (C>T on the coding strand, the complement: NOTCH2 is on the minus strand). VCF-style: chr1-119915775-G-A. GRCh37 (hg19) VCF-style: chr1-120458398-G-A.
Other names: short protein forms A2316V.
Identifiers: ClinVar variation 2630613 (VCV002630613.1), dbSNP rs1311635249, ClinGen allele CA341874603.
Genomic context (GRCh38, chr1:119,915,775, plus strand): 5'-AGGGGGCCCGCAACAGCTGGAGGGCAGGTGGACTGAGGCTGGGGAGCCCCCGCTGGTTGG[G>A]CAATACTGCCTTTAGGGATGAGCTGGAAAGTCACAATGGGGGGCAAGGGCTCCCGAGGGG-3'
Protein context (NP_077719.2, residues 2306-2326): TFQLIPKGSI[Ala2316Val]QPAGAPQPQS

ClinVar aggregate classification (germline): Uncertain significance (1 of 4 stars; one submission).

Conditions:
NOTCH2-related disorder. Also called: NOTCH2-related condition.

Allele frequency attached by ClinVar (database versions not stated): gnomAD 0.00001; TOPMed 0.00001.
gnomAD v4.1: 1 of 1,609,924 alleles (0.000062%); highest among the groups gnomAD compares: Admixed American, 0.0017%; no homozygotes.

Submission:

PreventionGenetics, part of Exact Sciences
Classification: Uncertain significance for NOTCH2-related condition. Last evaluated: 2023-02-01. Review status: criteria provided, single submitter. Criteria: ACMG Guidelines, 2015. Collection method: clinical testing. Allele origin: germline.
Comment: The NOTCH2 c.6947C>T variant is predicted to result in the amino acid substitution p.Ala2316Val. This variant was reported in the compound heterozygous state in an individual with primary ovarian insufficiency. In vitro functional characterization showed that this variant leads to a 27% decrease in NOTCH2 activity (Patiño et al 2019. PubMed ID: 30304577). This variant has not been reported in a large population database, indicating this variant is rare. At this time, the clinical significance of this variant is uncertain due to the absence of conclusive functional and genetic evidence.